The following is an entry in ClinVar:

ClinVar aggregate classification (germline): Uncertain significance (1 of 4 stars; one submission).

Allele frequency attached by ClinVar (database versions not stated): ExAC 0.00001; gnomAD exomes 0.00001.

Submission:

Labcorp Genetics (formerly Invitae), Labcorp
Classification: Uncertain significance. Last evaluated: 2022-05-04. Review status: criteria provided, single submitter. Criteria: Invitae Variant Classification Sherloc (09022015). Collection method: clinical testing. Allele origin: germline.
Comment: This sequence change replaces glycine, which is neutral and non-polar, with cysteine, which is neutral and slightly polar, at codon 188 of the PUS1 protein (p.Gly188Cys). This variant is present in population databases (rs776219531, gnomAD 0.003%). This variant has not been reported in the literature in individuals affected with PUS1-related conditions. Algorithms developed to predict the effect of missense changes on protein structure and function are either unavailable or do not agree on the potential impact of this missense change (SIFT: "Deleterious"; PolyPhen-2: "Probably Damaging"; Align-GVGD: "Class C0"). Algorithms developed to predict the effect of sequence changes on RNA splicing suggest that this variant may create or strengthen a splice site. In summary, the available evidence is currently insufficient to determine the role of this variant in disease. Therefore, it has been classified as a Variant of Uncertain Significance.

NM_025215.6(PUS1):c.562G>T (p.Gly188Cys)

Gene: PUS1 (pseudouridine synthase 1; plus strand). Cytogenetic location: 12q24.33.
Variant type: single nucleotide variant.
Coding change: c.562G>T on transcript NM_025215.6 (MANE Select); coding-DNA position 562, G replaced by T.
Protein change: p.Gly188Cys; replaces glycine 188 with cysteine.
Molecular consequence: missense variant.
Genome position (GRCh38, 1-based): chr12:131,941,309, G>T. VCF-style: chr12-131941309-G-T. GRCh37 (hg19) VCF-style: chr12-132425854-G-T.
Other names: c.478G>T, p.Gly160Cys (NM_001002019.3, NM_001002020.3); short protein forms G160C, G188C.
Identifiers: ClinVar variation 1950812 (VCV001950812.2), dbSNP rs776219531, ClinGen allele CA6884191.